The following is an entry in ClinVar:

ClinVar aggregate classification (germline): Uncertain significance (1 of 4 stars; one submission).

Submission:

CeGaT Center for Human Genetics Tuebingen
Classification: Uncertain significance. Last evaluated: 2025-01-01. Review status: criteria provided, single submitter. Criteria: CeGaT Center For Human Genetics Tuebingen Variant Classification Criteria Version 2. Collection method: clinical testing. Allele origin: germline. Affected: yes. Observed: 1 variant allele.
Comment: TANC2: PM2, PP2

NM_001394998.1(TANC2):c.2301G>T (p.Met767Ile)

Gene: TANC2 (tetratricopeptide repeat, ankyrin repeat and coiled-coil containing 2; plus strand). Cytogenetic location: 17q23.3.
Variant type: single nucleotide variant.
Coding change: c.2301G>T on transcript NM_001394998.1 (MANE Select); coding-DNA position 2301, G replaced by T.
Protein change: p.Met767Ile; replaces methionine 767 with isoleucine.
Molecular consequence: missense variant.
Genome position (GRCh38, 1-based): chr17:63,355,109, G>T. VCF-style: chr17-63355109-G-T. GRCh37 (hg19) VCF-style: chr17-61432470-G-T.
Other names: c.2079G>T, p.Met693Ile (NM_001411076.1, NM_025185.4); short protein forms M693I, M767I.
Identifiers: ClinVar variation 3772246 (VCV003772246.13).